The following is an entry in ClinVar:

NM_001322934.2(NFKB2):c.1196C>T (p.Pro399Leu)

Genes: NFKB2 (nuclear factor kappa B subunit 2; plus strand), LOC130004599 (ATAC-STARR-seq lymphoblastoid silent region 2756; plus strand). Cytogenetic location: 10q24.32.
Variant type: single nucleotide variant.
Coding change: c.1196C>T on transcript NM_001322934.2 (MANE Select); coding-DNA position 1196, C replaced by T.
Protein change: p.Pro399Leu; replaces proline 399 with leucine.
Molecular consequence: missense variant.
Genome position (GRCh38, 1-based): chr10:102,399,366, C>T. VCF-style: chr10-102399366-C-T. GRCh37 (hg19) VCF-style: chr10-104159123-C-T.
Other names: c.1196C>T, p.Pro399Leu (NM_001077493.1, NM_001077494.3, NM_001261403.3 and 2 more transcripts); c.1070C>T, p.Pro357Leu (NM_001322935.1); short protein forms P357L, P399L.
Identifiers: ClinVar variation 2111635 (VCV002111635.6), dbSNP rs1437102591, ClinGen allele CA377898867.

ClinVar aggregate classification (germline): Uncertain significance. Review status: criteria provided, multiple submitters, no conflicts (2 of 4 stars). 2 submissions from 2 submitters: Uncertain significance (2). Last evaluated 2024-11-07.

Conditions:
Immunodeficiency, common variable, 10. Also called: DEFICIT IN ANTERIOR PITUITARY FUNCTION AND VARIABLE IMMUNODEFICIENCY; IMMUNODEFICIENCY, COMMON VARIABLE, WITH CENTRAL ADRENAL INSUFFICIENCY. Identifiers: MedGen C3809991, MONDO:0014260, OMIM 615577.

Allele frequency attached by ClinVar (database versions not stated): TOPMed below 0.00001.

Submissions (2):

GeneDx
Classification: Uncertain significance. Last evaluated: 2024-11-07. Review status: criteria provided, single submitter. Criteria: GeneDx Variant Classification Process June 2021. Collection method: clinical testing. Allele origin: germline.
Comment: Not observed at significant frequency in large population cohorts (gnomAD); In silico analysis indicates that this missense variant does not alter protein structure/function; Has not been previously published as pathogenic or benign to our knowledge

Labcorp Genetics (formerly Invitae), Labcorp
Classification: Uncertain significance for Immunodeficiency, common variable, 10. Last evaluated: 2024-06-08. Review status: criteria provided, single submitter. Criteria: Invitae Variant Classification Sherloc (09022015). Collection method: clinical testing. Allele origin: germline.
Comment: This sequence change replaces proline, which is neutral and non-polar, with leucine, which is neutral and non-polar, at codon 399 of the NFKB2 protein (p.Pro399Leu). This variant is not present in population databases (gnomAD no frequency). This variant has not been reported in the literature in individuals affected with NFKB2-related conditions. ClinVar contains an entry for this variant (Variation ID: 2111635). An algorithm developed to predict the effect of missense changes on protein structure and function (PolyPhen-2) suggests that this variant is likely to be tolerated. In summary, the available evidence is currently insufficient to determine the role of this variant in disease. Therefore, it has been classified as a Variant of Uncertain Significance.